The following is an entry in ClinVar:

ClinVar aggregate classification (germline): Uncertain significance (1 of 4 stars; one submission).

Conditions:
Dyskeratosis congenita. Identifiers: Orphanet 1775, MedGen C0265965, MONDO:0015780.

Submission:

Labcorp Genetics (formerly Invitae), Labcorp
Classification: Uncertain significance for Dyskeratosis congenita. Last evaluated: 2023-11-20. Review status: criteria provided, single submitter. Criteria: Invitae Variant Classification Sherloc (09022015). Collection method: clinical testing. Allele origin: germline.
Comment: This sequence change replaces leucine, which is neutral and non-polar, with proline, which is neutral and non-polar, at codon 80 of the TINF2 protein (p.Leu80Pro). This variant is not present in population databases (gnomAD no frequency). This variant has not been reported in the literature in individuals affected with TINF2-related conditions. An algorithm developed to predict the effect of missense changes on protein structure and function (PolyPhen-2) suggests that this variant is likely to be disruptive. In summary, the available evidence is currently insufficient to determine the role of this variant in disease. Therefore, it has been classified as a Variant of Uncertain Significance.

NM_001099274.3(TINF2):c.239T>C (p.Leu80Pro)

Gene: TINF2 (TERF1 interacting nuclear factor 2; minus strand). Cytogenetic location: 14q12.
Variant type: single nucleotide variant.
Coding change: c.239T>C on transcript NM_001099274.3 (MANE Select); coding-DNA position 239, T replaced by C.
Protein change: p.Leu80Pro; replaces leucine 80 with proline.
Molecular consequence: missense variant. On other transcripts: intron variant (1).
Genome position (GRCh38, 1-based): chr14:24,241,948, A>G on the plus strand (T>C on the coding strand, the complement: TINF2 is on the minus strand). VCF-style: chr14-24241948-A-G. GRCh37 (hg19) VCF-style: chr14-24711154-A-G.
Other names: c.239T>C, p.Leu80Pro (NM_012461.3); c.193-172T>C (NM_001363668.2); short protein forms L80P.
Identifiers: ClinVar variation 2885490 (VCV002885490.3), dbSNP rs2502465609, ClinGen allele CA389234139.